The following is an entry in ClinVar:

ClinVar aggregate classification (germline): Likely benign (1 of 4 stars; one submission).

Allele frequency attached by ClinVar (database versions not stated): 1000 Genomes Project 30x 0.00921; 1000 Genomes Project 0.00978; gnomAD 0.01670 and 0.01712; TOPMed 0.01693.
gnomAD v4.1: 2,553 of 152,264 alleles (1.7%); highest among the groups gnomAD compares: Non-Finnish European, 2.8%; 37 homozygotes.

Submission:

GeneDx
Classification: Likely benign. Last evaluated: 2018-06-14. Review status: criteria provided, single submitter. Criteria: GeneDx Variant Classification (06012015). Collection method: clinical testing. Allele origin: germline. Affected: yes.
Comment: This variant is considered likely benign or benign based on one or more of the following criteria: it is a conservative change, it occurs at a poorly conserved position in the protein, it is predicted to be benign by multiple in silico algorithms, and/or has population frequency not consistent with disease.

NM_006329.4(FBLN5):c.379+275A>G

Gene: FBLN5 (fibulin 5; minus strand). Cytogenetic location: 14q32.12.
Variant type: single nucleotide variant.
Coding change: c.379+275A>G on transcript NM_006329.4 (MANE Select); 275 bases into the intron after coding-DNA position 379, A replaced by G.
Molecular consequence: intron variant.
Genome position (GRCh38, 1-based): chr14:91,936,672, T>C on the plus strand (A>G on the coding strand, the complement: FBLN5 is on the minus strand). VCF-style: chr14-91936672-T-C. GRCh37 (hg19) VCF-style: chr14-92403016-T-C.
Other names: c.379+275A>G (NM_001384160.1); c.502+275A>G (NM_001384158.1); c.211+275A>G (NM_001384162.1, NM_001384161.1); c.430+275A>G (NM_001384159.1).
Identifiers: ClinVar variation 669782 (VCV000669782.1), dbSNP rs117668310, ClinGen allele CA265607354.